The following is an entry in ClinVar:

NM_001377.3(DYNC2H1):c.905C>T (p.Thr302Ile)

Gene: DYNC2H1 (dynein cytoplasmic 2 heavy chain 1; plus strand). Cytogenetic location: 11q22.3.
Variant type: single nucleotide variant.
Coding change: c.905C>T on transcript NM_001377.3 (MANE Select); coding-DNA position 905, C replaced by T.
Protein change: p.Thr302Ile; replaces threonine 302 with isoleucine.
Molecular consequence: missense variant.
Genome position (GRCh38, 1-based): chr11:103,117,769, C>T. VCF-style: chr11-103117769-C-T. GRCh37 (hg19) VCF-style: chr11-102988498-C-T.
Other names: c.905C>T, p.Thr302Ile (NM_001080463.2); short protein forms T302I.
Identifiers: ClinVar variation 1441559 (VCV001441559.5), dbSNP rs1858489010, ClinGen allele CA382248042.

ClinVar aggregate classification (germline): Uncertain significance (1 of 4 stars; one submission).

Conditions:
Jeune thoracic dystrophy. Also called: Jeune syndrome; Infantile thoracic dystrophy; Thoracic pelvic phalangeal dystrophy; Jeune's syndrome; Chondroectodermal dysplasia-like syndrome; Short-rib thoracic dysplasia. Identifiers: Orphanet 474, MedGen C0265275, MONDO:0018770.

Allele frequency attached by ClinVar (database versions not stated): gnomAD exomes below 0.00001.
gnomAD v4.1: 3 of 1,613,496 alleles (0.00019%); highest among the groups gnomAD compares: Non-Finnish European, 0.00025%; no homozygotes.

Submission:

Labcorp Genetics (formerly Invitae), Labcorp
Classification: Uncertain significance for Jeune thoracic dystrophy. Last evaluated: 2021-09-24. Review status: criteria provided, single submitter. Criteria: Invitae Variant Classification Sherloc (09022015). Collection method: clinical testing. Allele origin: germline.
Comment: This sequence change replaces threonine with isoleucine at codon 302 of the DYNC2H1 protein (p.Thr302Ile). The threonine residue is highly conserved and there is a moderate physicochemical difference between threonine and isoleucine. This variant is not present in population databases (ExAC no frequency). This variant has not been reported in the literature in individuals with DYNC2H1-related conditions. Advanced modeling of protein sequence and biophysical properties (such as structural, functional, and spatial information, amino acid conservation, physicochemical variation, residue mobility, and thermodynamic stability) performed at Invitae indicates that this missense variant is not expected to disrupt DYNC2H1 protein function. In summary, the available evidence is currently insufficient to determine the role of this variant in disease. Therefore, it has been classified as a Variant of Uncertain Significance.